The following is an entry in ClinVar:

NM_014915.3(ANKRD26):c.1868G>A (p.Arg623Gln)

Gene: ANKRD26 (ankyrin repeat domain 26; minus strand). Cytogenetic location: 10p12.1.
Variant type: single nucleotide variant.
Coding change: c.1868G>A on transcript NM_014915.3 (MANE Select); coding-DNA position 1868, G replaced by A.
Protein change: p.Arg623Gln; replaces arginine 623 with glutamine.
Molecular consequence: missense variant.
Genome position (GRCh38, 1-based): chr10:27,046,470, C>T on the plus strand (G>A on the coding strand, the complement: ANKRD26 is on the minus strand). VCF-style: chr10-27046470-C-T. GRCh37 (hg19) VCF-style: chr10-27335399-C-T.
Other names: p.Arg623Gln; c.1865G>A, p.Arg622Gln (NM_001256053.2); short protein forms R623Q, R622Q.
Identifiers: ClinVar variation 299743 (VCV000299743.21), dbSNP rs28477279, ClinGen allele CA5448381.

ClinVar aggregate classification (germline): Benign. Review status: criteria provided, multiple submitters, no conflicts (2 of 4 stars). 8 submissions from 8 submitters: Benign (7). 1 of the submissions does not count toward it. Last evaluated 2026-02-01.

Conditions:
ANKRD26-related disorder. Also called: ANKRD26-related condition.
Thrombocytopenia 2 (THC2). Also called: ANKRD26-Related Thrombocytopenia. Identifiers: Orphanet 268322, MedGen C1861185, MONDO:0008555, OMIM 188000.

Allele frequency attached by ClinVar (database versions not stated): gnomAD 0.02387 and 0.02553; ESP Exome Variant Server 0.02627; TOPMed 0.02649; 1000 Genomes Project 0.02696; 1000 Genomes Project 30x 0.02936.
gnomAD v4.1: 7,179 of 1,613,942 alleles (0.44%); highest among the groups gnomAD compares: African/African-American, 8.1%; 227 homozygotes.

Submissions (8):

Labcorp Genetics (formerly Invitae), Labcorp
Classification: Benign. Last evaluated: 2026-02-01. Review status: criteria provided, single submitter. Criteria: Invitae Variant Classification Sherloc (09022015). Collection method: clinical testing. Allele origin: germline.

ARUP Laboratories, Molecular Genetics and Genomics, ARUP Laboratories
Classification: Benign for Thrombocytopenia 2. Last evaluated: 2025-05-21. Review status: criteria provided, single submitter. Criteria: ARUP Molecular Germline Variant Investigation Process 2024. Collection method: clinical testing. Allele origin: germline.

Mayo Clinic Laboratories, Mayo Clinic
Classification: Benign. Last evaluated: 2023-10-07. Review status: criteria provided, single submitter. Criteria: ACMG Guidelines, 2015. Collection method: clinical testing. Allele origin: germline. Observed: 14 variant alleles.

Genome-Nilou Lab
Classification: Benign for Thrombocytopenia 2. Last evaluated: 2021-12-05. Review status: criteria provided, single submitter. Criteria: ACMG Guidelines, 2015. Collection method: clinical testing. Allele origin: germline. Affected: no.

GeneDx
Classification: Benign. Last evaluated: 2019-04-03. Review status: criteria provided, single submitter. Criteria: GeneDx Variant Classification Process June 2021. Collection method: clinical testing. Allele origin: germline. Affected: yes.

Illumina Laboratory Services, Illumina
Classification: Benign for Thrombocytopenia 2. Last evaluated: 2018-01-13. Review status: criteria provided, single submitter. Criteria: ICSL Variant Classification Criteria 13 December 2019. Collection method: clinical testing. Allele origin: germline.
Comment: This variant was observed in the ICSL laboratory as part of a predisposition screen in an ostensibly healthy population. It had not been previously curated by ICSL or reported in the Human Gene Mutation Database (HGMD: prior to June 1st, 2018), and was therefore a candidate for classification through an automated scoring system. Utilizing variant allele frequency, disease prevalence and penetrance estimates, and inheritance mode, an automated score was calculated to assess if this variant is too frequent to cause the disease. Based on the score and internal cut-off values, a variant classified as benign is not then subjected to further curation. The score for this variant resulted in a classification of benign for this disease.

Breakthrough Genomics
Classification: Benign. Review status: criteria provided, single submitter. Criteria: ACMG Guidelines, 2015. Collection method: not provided. Allele origin: germline. Inheritance: Autosomal dominant inheritance. Affected: yes.

PreventionGenetics, part of Exact Sciences
Classification: Benign for ANKRD26-related condition. Last evaluated: 2019-10-22. Review status: no assertion criteria provided. Collection method: clinical testing. Allele origin: germline. Not counted in ClinVar's aggregate classification.
Comment: This variant is classified as benign based on ACMG/AMP sequence variant interpretation guidelines (Richards et al. 2015 PMID: 25741868, with internal and published modifications).